The following is an entry in ClinVar:

ClinVar aggregate classification (germline): Pathogenic. Review status: criteria provided, single submitter (1 of 4 stars). 2 submissions from 2 submitters: Pathogenic (1). 1 of the submissions does not count toward it. Last evaluated 2022-05-28.

Conditions:
Vitelliform macular dystrophy 2. Also called: Best vitelliform macular dystrophy, multifocal; VITELLIFORM MACULAR DYSTROPHY, EARLY-ONSET; VITELLIFORM MACULAR DYSTROPHY, JUVENILE-ONSET; Best Vitelliform Macular Dystrophy (BVMD); Best Macular Dystrophy; MACULAR DEGENERATION, POLYMORPHIC VITELLINE. Identifiers: Orphanet 1243, MedGen C2745945, MONDO:0007931, OMIM 153700.

Allele frequency attached by ClinVar (database versions not stated): gnomAD exomes 0.00002 and 0.00004; ExAC 0.00007.

Submissions (2):

Labcorp Genetics (formerly Invitae), Labcorp
Classification: Pathogenic. Last evaluated: 2022-05-28. Review status: criteria provided, single submitter. Criteria: Invitae Variant Classification Sherloc (09022015). Collection method: clinical testing. Allele origin: germline.
Comment: ClinVar contains an entry for this variant (Variation ID: 636003). This missense change has been observed in individual(s) with autosomal recessive bestrophinopathy (PMID: 21738390). It has also been observed to segregate with disease in related individuals. This variant has been reported in individual(s) with autosomal dominant Best vitelliform macular dystrophy (PMID: 30718709); however, the role of the variant in this condition is currently unclear. This variant is present in population databases (rs748351421, gnomAD 0.007%). This sequence change replaces aspartic acid, which is acidic and polar, with glutamic acid, which is acidic and polar, at codon 312 of the BEST1 protein (p.Asp312Glu). Advanced modeling of protein sequence and biophysical properties (such as structural, functional, and spatial information, amino acid conservation, physicochemical variation, residue mobility, and thermodynamic stability) performed at Invitae indicates that this missense variant is expected to disrupt BEST1 protein function. For these reasons, this variant has been classified as Pathogenic. This variant disrupts the p.Asp312 amino acid residue in BEST1. Other variant(s) that disrupt this residue have been determined to be pathogenic (PMID: 17898294, 18179881, 21330666, 22162627, 23290749). This suggests that this residue is clinically significant, and that variants that disrupt this residue are likely to be disease-causing.

Department of Clinical Genetics, Copenhagen University Hospital, Rigshospitalet
Classification: Likely pathogenic for Vitelliform macular dystrophy type 2. Last evaluated: 2018-04-01. Review status: no assertion criteria provided. Collection method: research. Allele origin: unknown. Affected: yes. Study: VeluxRD. Not counted in ClinVar's aggregate classification.

Literature cited by the submitters: PubMed 21738390 (cited by Labcorp Genetics (formerly Invitae), Labcorp); PubMed 30718709 (cited by Labcorp Genetics (formerly Invitae), Labcorp and Department of Clinical Genetics, Copenhagen University Hospital, Rigshospitalet); PubMed 17898294 (cited by Labcorp Genetics (formerly Invitae), Labcorp); PubMed 18179881 (cited by Labcorp Genetics (formerly Invitae), Labcorp); PubMed 21330666 (cited by Labcorp Genetics (formerly Invitae), Labcorp); PubMed 22162627 (cited by Labcorp Genetics (formerly Invitae), Labcorp); PubMed 23290749 (cited by Labcorp Genetics (formerly Invitae), Labcorp).

NM_004183.4(BEST1):c.936C>A (p.Asp312Glu)

Gene: BEST1 (bestrophin 1; plus strand). Cytogenetic location: 11q12.3.
Variant type: single nucleotide variant.
Coding change: c.936C>A on transcript NM_004183.4 (MANE Select); coding-DNA position 936, C replaced by A.
Protein change: p.Asp312Glu; replaces aspartic acid 312 with glutamic acid.
Molecular consequence: missense variant. On other transcripts: non-coding transcript variant (1), intron variant (1).
Genome position (GRCh38, 1-based): chr11:61,959,566, C>A. VCF-style: chr11-61959566-C-A. GRCh37 (hg19) VCF-style: chr11-61727038-C-A.
Other names: c.756C>A, p.Asp252Glu (NM_001139443.3, NM_001300787.2); c.618C>A, p.Asp206Glu (NM_001363591.3); c.1139C>A, p.Thr380Lys (NM_001363592.2); c.-37C>A (NM_001363593.3); c.688-326C>A (NM_001300786.2); short protein forms D312E, D206E, D252E, T380K.
Identifiers: ClinVar variation 636003 (VCV000636003.6), dbSNP rs748351421, ClinGen allele CA6040919.